The following is an entry in ClinVar:

ClinVar aggregate classification (germline): Likely benign (1 of 4 stars; one submission).

Conditions:
TMTC2-related disorder. Also called: TMTC2-related condition.

gnomAD v4.1: 37 of 1,614,012 alleles (0.0023%); highest among the groups gnomAD compares: Admixed American, 0.05%; no homozygotes.

Submission:

PreventionGenetics, part of Exact Sciences
Classification: Likely benign for TMTC2-related condition. Last evaluated: 2024-10-28. Review status: criteria provided, single submitter. Criteria: ACMG Guidelines, 2015. Collection method: clinical testing. Allele origin: germline.
Comment: This variant is classified as likely benign based on ACMG/AMP sequence variant interpretation guidelines (Richards et al. 2015 PMID: 25741868, with internal and published modifications).

NM_152588.3(TMTC2):c.1038G>A (p.Lys346=)

Gene: TMTC2 (transmembrane O-mannosyltransferase targeting cadherins 2; plus strand). Cytogenetic location: 12q21.31.
Variant type: single nucleotide variant.
Coding change: c.1038G>A on transcript NM_152588.3 (MANE Select); coding-DNA position 1038, G replaced by A.
Protein change: p.Lys346=; no amino-acid change (lysine 346 retained).
Molecular consequence: synonymous variant.
Genome position (GRCh38, 1-based): chr12:82,896,201, G>A. VCF-style: chr12-82896201-G-A. GRCh37 (hg19) VCF-style: chr12-83289980-G-A.
Other names: c.303G>A, p.Lys101= (NM_001320321.2); c.1038G>A, p.Lys346= (NM_001320322.2).
Identifiers: ClinVar variation 4985395 (VCV004985395.1).
Genomic context (GRCh38, chr12:82,896,201, plus strand): 5'-TGGTTTGAAGAGCCCGAGCGTAGACAGAGAATGCAATGGGAAAACTGTAACAAATGGCAA[G>A]CAGAATGCAAATGGACATAGCTGCCTTTCAGATGTGGAGTACCAGAACTCAGAGACTAAG-3'
Protein context (NP_689801.1, residues 336-356): ECNGKTVTNG[Lys346=]QNANGHSCLS